The following is an entry in ClinVar:

NM_002471.4(MYH6):c.3299A>T (p.Gln1100Leu)

Gene: MYH6 (myosin heavy chain 6; minus strand). Cytogenetic location: 14q11.2.
Variant type: single nucleotide variant.
Coding change: c.3299A>T on transcript NM_002471.4 (MANE Select); coding-DNA position 3299, A replaced by T.
Protein change: p.Gln1100Leu; replaces glutamine 1100 with leucine.
Molecular consequence: missense variant.
Genome position (GRCh38, 1-based): chr14:23,392,605, T>A on the plus strand (A>T on the coding strand, the complement: MYH6 is on the minus strand). VCF-style: chr14-23392605-T-A. GRCh37 (hg19) VCF-style: chr14-23861814-T-A.
Other names: short protein forms Q1100L.
Identifiers: ClinVar variation 424365 (VCV000424365.3), dbSNP rs775652096, ClinGen allele CA7115231.

ClinVar aggregate classification (germline): Uncertain significance. Review status: criteria provided, multiple submitters, no conflicts (2 of 4 stars). 2 submissions from 2 submitters: Uncertain significance (2). Last evaluated 2017-03-14.

Allele frequency attached by ClinVar (database versions not stated): ExAC 0.00002; gnomAD exomes 0.00002 and 0.00003.
gnomAD v4.1: 31 of 1,612,632 alleles (0.0019%); highest among the groups gnomAD compares: South Asian, 0.032%; no homozygotes.

Submissions (2):

GeneDx
Classification: Uncertain significance. Last evaluated: 2017-03-14. Review status: criteria provided, single submitter. Criteria: GeneDx Variant Classification (06012015). Collection method: clinical testing. Allele origin: germline. Affected: yes.
Comment: A variant of uncertain significance has been identified in the MYH6 gene. The Q1100L variant has been published in at least one patient with HCM (Lopes et al., 2013); however, additional clinical information was not provided. This variant is not observed at a significant frequency in large population cohorts (Lek et al., 2016; 1000 Genomes Consortium et al., 2015; Exome Variant Server). The Q1100L variant is a non-conservative amino acid substitution, which is likely to impact secondary protein structure as these residues differ in polarity, charge, size and/or other properties. This substitution occurs at a position that is conserved across species and in silico analysis predicts this variant is probably damaging to the protein structure/function. However, this variant lacks observation in a significant number of affected individuals, segregation data, and functional evidence, which would further clarify its pathogenicity.

Breakthrough Genomics
Classification: Uncertain significance. Review status: criteria provided, single submitter. Criteria: ACMG Guidelines, 2015. Collection method: not provided. Allele origin: germline. Inheritance: Autosomal dominant inheritance. Affected: yes.